The following is an entry in ClinVar:

ClinVar aggregate classification (germline): Uncertain significance. Review status: criteria provided, single submitter (1 of 4 stars). 3 submissions from 3 submitters: Uncertain significance (1). 2 of the submissions do not count toward it. Last evaluated 2021-10-08.

Conditions:
Glycine encephalopathy 1 (GCE1). Identifiers: MedGen CN376801, MONDO:0958179, OMIM 605899.
Glycine encephalopathy. Also called: Non-ketotic hyperglycinemia; Nonketotic hyperglycinemia. Identifiers: Orphanet 407, MedGen C0751748, MONDO:0011612, HP:0008288.

Allele frequency attached by ClinVar (database versions not stated): ExAC 0.00001; TOPMed 0.00002; gnomAD 0.00003.
gnomAD v4.1: 30 of 1,609,172 alleles (0.0019%); highest among the groups gnomAD compares: Non-Finnish European, 0.0025%; no homozygotes.

Submissions (3):

Labcorp Genetics (formerly Invitae), Labcorp
Classification: Uncertain significance for Glycine encephalopathy. Last evaluated: 2021-10-08. Review status: criteria provided, single submitter. Criteria: Invitae Variant Classification Sherloc (09022015). Collection method: clinical testing. Allele origin: germline.
Comment: This sequence change replaces proline with threonine at codon 769 of the GLDC protein (p.Pro769Thr). The proline residue is highly conserved and there is a small physicochemical difference between proline and threonine. The frequency data for this variant in the population databases is considered unreliable, as metrics indicate poor data quality at this position in the ExAC database. This missense change has been observed in individual(s) with glycine encephalopathy (PMID: 27362913; Invitae). In at least one individual the data is consistent with the variant being in trans (on the opposite chromosome) from a pathogenic variant. Algorithms developed to predict the effect of missense changes on protein structure and function are either unavailable or do not agree on the potential impact of this missense change (SIFT: "Deleterious"; PolyPhen-2: "Probably Damaging"; Align-GVGD: "Class C0"). In summary, the available evidence is currently insufficient to determine the role of this variant in disease. Therefore, it has been classified as a Variant of Uncertain Significance.

Natera, Inc.
Classification: Uncertain significance for Non-ketotic hyperglycinemia. Last evaluated: 2021-06-10. Review status: no assertion criteria provided. Collection method: clinical testing. Allele origin: germline. Not counted in ClinVar's aggregate classification.

Counsyl
Classification: Uncertain significance for Glycine encephalopathy 1. Last evaluated: 2017-10-13. Review status: no assertion criteria provided. Collection method: clinical testing. Allele origin: unknown. Not counted in ClinVar's aggregate classification.

Literature cited by the submitters: PubMed 27362913 (cited by Labcorp Genetics (formerly Invitae), Labcorp and Counsyl).

NM_000170.3(GLDC):c.2305C>A (p.Pro769Thr)

Gene: GLDC (glycine decarboxylase; minus strand). Cytogenetic location: 9p24.1.
Variant type: single nucleotide variant.
Coding change: c.2305C>A on transcript NM_000170.3 (MANE Select); coding-DNA position 2305, C replaced by A.
Protein change: p.Pro769Thr; replaces proline 769 with threonine.
Molecular consequence: missense variant.
Genome position (GRCh38, 1-based): chr9:6,554,679, G>T on the plus strand (C>A on the coding strand, the complement: GLDC is on the minus strand). VCF-style: chr9-6554679-G-T. GRCh37 (hg19) VCF-style: chr9-6554679-G-T.
Other names: short protein forms P769T.
Identifiers: ClinVar variation 531767 (VCV000531767.7), dbSNP rs751114163, ClinGen allele CA4980301.